The following is an entry in ClinVar:

ClinVar aggregate classification (germline): Uncertain significance (1 of 4 stars; one submission).

Conditions:
Cardiovascular phenotype. Identifiers: MedGen CN230736.

Submission:

Ambry Genetics
Classification: Uncertain significance for Cardiovascular phenotype. Last evaluated: 2023-11-14. Review status: criteria provided, single submitter. Criteria: Ambry Variant Classification Scheme 2023. Collection method: clinical testing. Allele origin: germline.
Comment: The c.3660-1G>C intronic variant results from a G to C substitution one nucleotide upstream from coding exon 18 of the MYPN gene. This alteration occurs at the 3' terminus of the MYPN gene, is not expected to trigger nonsense-mediated mRNA decay, and only impacts the last 7% of the protein. The exact functional effect of this alteration is unknown. This nucleotide position is highly conserved in available vertebrate species. In silico splice site analysis predicts that this alteration will weaken the native splice acceptor site and will result in the creation or strengthening of a novel splice acceptor site. Since supporting evidence is limited at this time, the clinical significance of this alteration remains unclear.

NM_032578.4(MYPN):c.3660-1G>C

Gene: MYPN (myopalladin; plus strand). Cytogenetic location: 10q21.3.
Variant type: single nucleotide variant.
Coding change: c.3660-1G>C on transcript NM_032578.4 (MANE Select); the canonical splice acceptor site of the intron before coding-DNA position 3660, G replaced by C.
Molecular consequence: splice acceptor variant.
Genome position (GRCh38, 1-based): chr10:68,206,769, G>C. VCF-style: chr10-68206769-G-C. GRCh37 (hg19) VCF-style: chr10-69966526-G-C.
Other names: c.3660-1G>C (NM_001256267.2); c.2778-1G>C (NM_001256268.2).
Identifiers: ClinVar variation 3228174 (VCV003228174.1), dbSNP rs2496022258, ClinGen allele CA376828056.